The following is an entry in ClinVar:

ClinVar aggregate classification (germline): Uncertain significance. Review status: criteria provided, multiple submitters, no conflicts (2 of 4 stars). 2 submissions from 2 submitters: Uncertain significance (2). Last evaluated 2026-07-01.

Conditions:
NEXN-related disorder. Also called: NEXN-related condition; NEXN-related disorders.
Cardiovascular phenotype. Identifiers: MedGen CN230736.

gnomAD v4.1: 2 of 1,613,690 alleles (0.00012%); highest among the groups gnomAD compares: Admixed American, 0.0033%; no homozygotes.

Submissions (2):

PreventionGenetics, part of Exact Sciences
Classification: Uncertain significance for NEXN-related condition. Last evaluated: 2026-07-01. Review status: criteria provided, single submitter. Criteria: ACMG Guidelines, 2015. Collection method: clinical testing. Allele origin: germline.
Comment: The NEXN c.979A>G variant is predicted to result in the amino acid substitution p.Arg327Gly. To our knowledge, this variant has not been reported in the literature. This variant is reported in 0.0029% of alleles in individuals of Latino descent in gnomAD. At this time, the clinical significance of this variant is uncertain due to the absence of conclusive functional and genetic evidence.

Ambry Genetics
Classification: Uncertain significance for Cardiovascular phenotype. Last evaluated: 2025-09-18. Review status: criteria provided, single submitter. Criteria: Ambry Variant Classification Scheme 2023. Collection method: clinical testing. Allele origin: germline.
Comment: The p.R327G variant (also known as c.979A>G), located in coding exon 8 of the NEXN gene, results from an A to G substitution at nucleotide position 979. The arginine at codon 327 is replaced by glycine, an amino acid with dissimilar properties. This amino acid position is well conserved in available vertebrate species. In addition, this alteration is predicted to be tolerated by in silico analysis. Based on the available evidence, the clinical significance of this variant remains unclear.

NM_144573.4(NEXN):c.979A>G (p.Arg327Gly)

Gene: NEXN (nexilin F-actin binding protein; plus strand). Cytogenetic location: 1p31.1.
Variant type: single nucleotide variant.
Coding change: c.979A>G on transcript NM_144573.4 (MANE Select); coding-DNA position 979, A replaced by G.
Protein change: p.Arg327Gly; replaces arginine 327 with glycine.
Molecular consequence: missense variant.
Genome position (GRCh38, 1-based): chr1:77,929,430, A>G. VCF-style: chr1-77929430-A-G. GRCh37 (hg19) VCF-style: chr1-78395115-A-G.
Other names: c.787A>G, p.Arg263Gly (NM_001172309.2); short protein forms R327G, R263G.
Identifiers: ClinVar variation 4614689 (VCV004614689.2).
Genomic context (GRCh38, chr1:77,929,430, plus strand): 5'-CCTGGTAAACTCAAACTCAGTTTTGAAGAAATGGAAAGGCAAAGAAGAGAAGATGAAAAA[A>G]GGAAAGCAGAAGAAGAAGCCAGAAGGAGAATAGAGGAAGAAAAGAAGGCGTTTGCTGAAG-3'
Protein context (NP_653174.3, residues 317-337): MERQRREDEK[Arg327Gly]KAEEEARRRI